The following is an entry in ClinVar:

ClinVar aggregate classification (germline): Conflicting classifications of pathogenicity. Review status: criteria provided, conflicting classifications (1 of 4 stars). 2 submissions from 2 submitters: Pathogenic (1); Uncertain significance (1). Last evaluated 2024-06-21.

Conditions:
Primary ciliary dyskinesia. Also called: Ciliary dyskinesia. Identifiers: Orphanet 244, MedGen C0008780, MONDO:0016575, HP:0012265.

Allele frequency attached by ClinVar (database versions not stated): TOPMed 0.00001; gnomAD 0.00002; ESP Exome Variant Server 0.00008.
gnomAD v4.1: 21 of 1,613,426 alleles (0.0013%); highest among the groups gnomAD compares: East Asian, 0.0045%; no homozygotes.

Submissions (2):

GeneDx
Classification: Uncertain significance. Last evaluated: 2024-06-21. Review status: criteria provided, single submitter. Criteria: GeneDx Variant Classification Process June 2021. Collection method: clinical testing. Allele origin: germline. Affected: yes.
Comment: Nonsense variant predicted to result in protein truncation or nonsense mediated decay in a gene for which loss of function is a known mechanism of disease; Has not been previously published as pathogenic or benign to our knowledge

Labcorp Genetics (formerly Invitae), Labcorp
Classification: Pathogenic for Primary ciliary dyskinesia. Last evaluated: 2023-05-27. Review status: criteria provided, single submitter. Criteria: Invitae Variant Classification Sherloc (09022015). Collection method: clinical testing. Allele origin: germline.
Comment: This variant is present in population databases (rs375983999, gnomAD 0.004%). This sequence change creates a premature translational stop signal (p.Arg3702*) in the DNAH11 gene. It is expected to result in an absent or disrupted protein product. Loss-of-function variants in DNAH11 are known to be pathogenic (PMID: 18022865, 20513915, 22184204). This variant has not been reported in the literature in individuals affected with DNAH11-related conditions. ClinVar contains an entry for this variant (Variation ID: 1955497). For these reasons, this variant has been classified as Pathogenic.

Literature cited by the submitters: PubMed 18022865 (cited by Labcorp Genetics (formerly Invitae), Labcorp); PubMed 20513915 (cited by Labcorp Genetics (formerly Invitae), Labcorp); PubMed 22184204 (cited by Labcorp Genetics (formerly Invitae), Labcorp).

NM_001277115.2(DNAH11):c.11104C>T (p.Arg3702Ter)

Gene: DNAH11 (dynein axonemal heavy chain 11; plus strand). Cytogenetic location: 7p15.3.
Variant type: single nucleotide variant.
Coding change: c.11104C>T on transcript NM_001277115.2 (MANE Select); coding-DNA position 11104, C replaced by T.
Protein change: p.Arg3702Ter; replaces arginine 3702 with a stop codon.
Molecular consequence: nonsense.
Genome position (GRCh38, 1-based): chr7:21,854,357, C>T. VCF-style: chr7-21854357-C-T. GRCh37 (hg19) VCF-style: chr7-21893975-C-T.
Other names: c.11104C>T (NM_001277115.1); c.11125C>T, p.Arg3709Ter (NM_003777.3); short protein forms R3709*, R3702*.
Identifiers: ClinVar variation 1955497 (VCV001955497.6), dbSNP rs375983999, ClinGen allele CA155123584.